The following is an entry in ClinVar:

ClinVar aggregate classification (germline): Likely benign. Review status: criteria provided, multiple submitters, no conflicts (2 of 4 stars). 6 submissions from 6 submitters: Likely benign (5). 1 of the submissions does not count toward it. Last evaluated 2026-01-16.

Conditions:
Charcot-Marie-Tooth disease. Also called: Charcot-Marie-Tooth Neuropathy; Charcot-Marie-Tooth Hereditary Neuropathy. Identifiers: Orphanet 166, MedGen C0007959, MONDO:0015626.
Inborn genetic diseases. Identifiers: MedGen C0950123, MeSH D030342.
Charcot-Marie-Tooth disease, type I (CMT1). Also called: Charcot-Marie-Tooth disease type 1; Charcot-Marie-Tooth, Type 1. Identifiers: Orphanet 65753, MedGen C0751036, MONDO:0019011.
PMP22-related disorder. Also called: PMP22-related disorders; PMP22-related condition.

Allele frequency attached by ClinVar (database versions not stated): TOPMed 0.00011; gnomAD 0.00014; 1000 Genomes Project 30x 0.00031; 1000 Genomes Project 0.00040; ExAC 0.00009.
gnomAD v4.1: 260 of 1,611,304 alleles (0.016%); highest among the groups gnomAD compares: Non-Finnish European, 0.02%; no homozygotes.

Submissions (6):

Labcorp Genetics (formerly Invitae), Labcorp
Classification: Likely benign for Charcot-Marie-Tooth disease, type I. Last evaluated: 2026-01-16. Review status: criteria provided, single submitter. Criteria: Invitae Variant Classification Sherloc (09022015). Collection method: clinical testing. Allele origin: germline.

Ambry Genetics
Classification: Likely benign for Inborn genetic diseases. Last evaluated: 2023-12-13. Review status: criteria provided, single submitter. Criteria: Ambry Variant Classification Scheme 2023. Collection method: clinical testing. Allele origin: germline.

GeneDx
Classification: Likely benign. Last evaluated: 2020-12-23. Review status: criteria provided, single submitter. Criteria: GeneDx Variant Classification Process June 2021. Collection method: clinical testing. Allele origin: germline. Affected: yes.
Comment: This variant is associated with the following publications: (PMID: 9888385)

CeGaT Center for Human Genetics Tuebingen
Classification: Likely benign. Last evaluated: 2019-10-01. Review status: criteria provided, single submitter. Criteria: CeGaT Center For Human Genetics Tuebingen Variant Classification Criteria Version 2. Collection method: clinical testing. Allele origin: germline. Affected: yes. Observed: 1 variant allele.

Molecular Genetics Laboratory, London Health Sciences Centre
Classification: Likely benign for Charcot-Marie-Tooth disease. Review status: criteria provided, single submitter. Criteria: ACMG Guidelines, 2015. Collection method: clinical testing. Allele origin: germline. Affected: yes.

PreventionGenetics, part of Exact Sciences
Classification: Likely benign for PMP22-related condition. Last evaluated: 2019-05-30. Review status: no assertion criteria provided. Collection method: clinical testing. Allele origin: germline. Not counted in ClinVar's aggregate classification.
Comment: This variant is classified as likely benign based on ACMG/AMP sequence variant interpretation guidelines (Richards et al. 2015 PMID: 25741868, with internal and published modifications).

NM_000304.4(PMP22):c.87C>T (p.Ile29=)

Gene: PMP22 (peripheral myelin protein 22; minus strand). Cytogenetic location: 17p12.
Variant type: single nucleotide variant.
Coding change: c.87C>T on transcript NM_000304.4 (MANE Select); coding-DNA position 87, C replaced by T.
Protein change: p.Ile29=; no amino-acid change (isoleucine 29 retained).
Molecular consequence: synonymous variant. On other transcripts: non-coding transcript variant (1).
Genome position (GRCh38, 1-based): chr17:15,259,185, G>A on the plus strand (C>T on the coding strand, the complement: PMP22 is on the minus strand). VCF-style: chr17-15259185-G-A. GRCh37 (hg19) VCF-style: chr17-15162502-G-A.
Other names: c.87C>T, p.Ile29= (NM_001281455.2, NM_001281456.2, NM_001330143.2 and 2 more transcripts).
Identifiers: ClinVar variation 462782 (VCV000462782.54), dbSNP rs201192820, ClinGen allele CA8403436.